The following is an entry in ClinVar:

ClinVar aggregate classification (germline): Uncertain significance (1 of 4 stars; one submission).

Conditions:
Nemaline myopathy 2 (NEM2). Also called: Nemaline myopathy 2, autosomal recessive. Identifiers: MedGen C1850569, MONDO:0009725, OMIM 256030.

Submission:

Labcorp Genetics (formerly Invitae), Labcorp
Classification: Uncertain significance for Nemaline myopathy 2. Last evaluated: 2023-01-25. Review status: criteria provided, single submitter. Criteria: Invitae Variant Classification Sherloc (09022015). Collection method: clinical testing. Allele origin: germline.
Comment: This variant is not present in population databases (gnomAD no frequency). This variant, c.3238_3239insAACCTGCCA, results in the insertion of 3 amino acid(s) of the NEB protein (p.Ala1079_Arg1080insLysProAla), but otherwise preserves the integrity of the reading frame. This variant has not been reported in the literature in individuals affected with NEB-related conditions. ClinVar contains an entry for this variant (Variation ID: 1469426). Experimental studies and prediction algorithms are not available or were not evaluated, and the functional significance of this variant is currently unknown. In summary, the available evidence is currently insufficient to determine the role of this variant in disease. Therefore, it has been classified as a Variant of Uncertain Significance.

NM_001164508.2(NEB):c.3238_3239insAACCTGCCA (p.Ala1079_Arg1080insLysProAla)

Gene: NEB (nebulin; minus strand). Cytogenetic location: 2q23.3.
Variant type: Insertion.
Coding change: c.3238_3239insAACCTGCCA on transcript NM_001164508.2 (MANE Select); coding-DNA positions 3238 to 3239, AACCTGCCA inserted.
Protein change: p.Ala1079_Arg1080insLysProAla.
Molecular consequence: inframe insertion.
Genome position: GRCh38 VCF-style: chr2-151679737-C-CTGGCAGGTT. GRCh37 (hg19) VCF-style: chr2-152536251-C-CTGGCAGGTT.
Other names: c.3238_3239insAACCTGCCA, p.Ala1079_Arg1080insLysProAla (NM_001164507.2, NM_001271208.2, NM_004543.5).
Identifiers: ClinVar variation 1469426 (VCV001469426.8), dbSNP rs2099400833, ClinGen allele CA1298291518.
Genomic context (GRCh38, chr2:151,679,737, plus strand): 5'-CCCACATTTTCTAGTTGCCCATGTATGACCACAGCTGGACTTACGTCACTCGCCGCCTGC[C>CTGGCAGGTT]TGGCAGCTTTGGCAGCTCTGATGGGAATCGCATCAGTTCTCAGGTCATATCCCTTCTTGC-3'